The following is an entry in ClinVar:

ClinVar aggregate classification (germline): Uncertain significance (1 of 4 stars; one submission).

Submission:

Labcorp Genetics (formerly Invitae), Labcorp
Classification: Uncertain significance. Last evaluated: 2024-05-19. Review status: criteria provided, single submitter. Criteria: Invitae Variant Classification Sherloc (09022015). Collection method: clinical testing. Allele origin: germline.
Comment: This sequence change creates a premature translational stop signal (p.Tyr489Serfs*7) in the SIAE gene. While this is not anticipated to result in nonsense mediated decay, it is expected to disrupt the last 35 amino acid(s) of the SIAE protein. This variant is not present in population databases (gnomAD no frequency). This variant has not been reported in the literature in individuals affected with SIAE-related conditions. Algorithms developed to predict the effect of sequence changes on RNA splicing suggest that this variant may create or strengthen a splice site. In summary, the available evidence is currently insufficient to determine the role of this variant in disease. Therefore, it has been classified as a Variant of Uncertain Significance.

NM_170601.5(SIAE):c.1464_1474del (p.Tyr489fs)

Gene: SIAE (sialic acid acetylesterase; minus strand). Cytogenetic location: 11q24.2.
Variant type: Deletion.
Coding change: c.1464_1474del on transcript NM_170601.5 (MANE Select); coding-DNA positions 1464 to 1474, 11 bases deleted (ATATAAGCAGT).
Protein change: p.Tyr489fs; shifts the reading frame from tyrosine 489.
Molecular consequence: frameshift variant.
Genome position (GRCh38, 1-based): chr11:124,637,049-124,637,059, ACTGCTTATAT deleted on the plus strand (ATATAAGCAGT on the coding strand, the reverse complement: SIAE is on the minus strand). VCF-style (leftmost placement, unchanged base first): chr11-124637048-CACTGCTTATAT-C. GRCh37 (hg19) VCF-style: chr11-124506944-CACTGCTTATAT-C.
Other names: c.1359_1369del, p.Tyr454fs (NM_001199922.2); short protein forms Y454fs, Y489fs.
Identifiers: ClinVar variation 3653857 (VCV003653857.2).